The following is an entry in ClinVar:

ClinVar aggregate classification (germline): Uncertain significance (1 of 4 stars; one submission).

Submission:

Labcorp Genetics (formerly Invitae), Labcorp
Classification: Uncertain significance. Last evaluated: 2022-08-23. Review status: criteria provided, single submitter. Criteria: Invitae Variant Classification Sherloc (09022015). Collection method: clinical testing. Allele origin: germline.
Comment: In summary, the available evidence is currently insufficient to determine the role of this variant in disease. Therefore, it has been classified as a Variant of Uncertain Significance. Algorithms developed to predict the effect of missense changes on protein structure and function output the following: SIFT: "Tolerated"; PolyPhen-2: "Benign"; Align-GVGD: "Class C0". The leucine amino acid residue is found in multiple mammalian species, which suggests that this missense change does not adversely affect protein function. This variant has not been reported in the literature in individuals affected with ADGRV1-related conditions. This variant is not present in population databases (gnomAD no frequency). This sequence change replaces glutamine, which is neutral and polar, with leucine, which is neutral and non-polar, at codon 4896 of the ADGRV1 protein (p.Gln4896Leu).

NM_032119.4(ADGRV1):c.14687A>T (p.Gln4896Leu)

Gene: ADGRV1 (adhesion G protein-coupled receptor V1; plus strand). Cytogenetic location: 5q14.3.
Variant type: single nucleotide variant.
Coding change: c.14687A>T on transcript NM_032119.4 (MANE Select); coding-DNA position 14687, A replaced by T.
Protein change: p.Gln4896Leu; replaces glutamine 4896 with leucine.
Molecular consequence: missense variant. On other transcripts: non-coding transcript variant (1).
Genome position (GRCh38, 1-based): chr5:90,805,309, A>T. VCF-style: chr5-90805309-A-T. GRCh37 (hg19) VCF-style: chr5-90101126-A-T.
Other names: short protein forms Q4896L.
Identifiers: ClinVar variation 2114914 (VCV002114914.4), dbSNP rs1415618342, ClinGen allele CA360406120.